The following is an entry in ClinVar:

NM_021072.4(HCN1):c.104C>T (p.Ala35Val)

Gene: HCN1 (hyperpolarization activated cyclic nucleotide gated potassium channel 1; minus strand). Cytogenetic location: 5p12.
Variant type: single nucleotide variant.
Coding change: c.104C>T on transcript NM_021072.4 (MANE Select); coding-DNA position 104, C replaced by T.
Protein change: p.Ala35Val; replaces alanine 35 with valine.
Molecular consequence: missense variant.
Genome position (GRCh38, 1-based): chr5:45,695,990, G>A on the plus strand (C>T on the coding strand, the complement: HCN1 is on the minus strand). VCF-style: chr5-45695990-G-A. GRCh37 (hg19) VCF-style: chr5-45696092-G-A.
Other names: short protein forms A35V.
Identifiers: ClinVar variation 2980061 (VCV002980061.3), dbSNP rs1344167758, ClinGen allele CA359706738.

ClinVar aggregate classification (germline): Uncertain significance (1 of 4 stars; one submission).

Conditions:
Early-infantile DEE. Also called: Ohtahara syndrome; Early infantile epileptic encephalopathy with suppression bursts; Early infantile epileptic encephalopathy. Identifiers: Orphanet 1934, MedGen C0393706, MONDO:0800491.

Allele frequency attached by ClinVar (database versions not stated): TOPMed below 0.00001; gnomAD 0.00001.
gnomAD v4.1: 3 of 1,294,238 alleles (0.00023%); highest among the groups gnomAD compares: Non-Finnish European, 0.00029%; no homozygotes.

Submission:

Labcorp Genetics (formerly Invitae), Labcorp
Classification: Uncertain significance for Early-infantile DEE. Last evaluated: 2023-09-10. Review status: criteria provided, single submitter. Criteria: Invitae Variant Classification Sherloc (09022015). Collection method: clinical testing. Allele origin: germline.
Comment: In summary, the available evidence is currently insufficient to determine the role of this variant in disease. Therefore, it has been classified as a Variant of Uncertain Significance. This variant has not been reported in the literature in individuals affected with HCN1-related conditions. This sequence change replaces alanine, which is neutral and non-polar, with valine, which is neutral and non-polar, at codon 35 of the HCN1 protein (p.Ala35Val). The frequency data for this variant in the population databases is considered unreliable, as metrics indicate poor data quality at this position in the gnomAD database. Advanced modeling of protein sequence and biophysical properties (such as structural, functional, and spatial information, amino acid conservation, physicochemical variation, residue mobility, and thermodynamic stability) performed at Invitae indicates that this missense variant is not expected to disrupt HCN1 protein function.